The following is an entry in ClinVar:

ClinVar aggregate classification (germline): Uncertain significance (1 of 4 stars; one submission).

Allele frequency attached by ClinVar (database versions not stated): gnomAD exomes below 0.00001; gnomAD 0.00001; TOPMed 0.00001; ExAC 0.00003.
gnomAD v4.1: 7 of 1,596,950 alleles (0.00044%); highest among the groups gnomAD compares: Admixed American, 0.0017%; no homozygotes.

Submission:

Labcorp Genetics (formerly Invitae), Labcorp
Classification: Uncertain significance. Last evaluated: 2023-11-24. Review status: criteria provided, single submitter. Criteria: Invitae Variant Classification Sherloc (09022015). Collection method: clinical testing. Allele origin: germline.
Comment: This sequence change replaces alanine, which is neutral and non-polar, with valine, which is neutral and non-polar, at codon 2769 of the DCHS1 protein (p.Ala2769Val). The frequency data for this variant in the population databases is considered unreliable, as metrics indicate poor data quality at this position in the gnomAD database. This variant has not been reported in the literature in individuals affected with DCHS1-related conditions. Advanced modeling of protein sequence and biophysical properties (such as structural, functional, and spatial information, amino acid conservation, physicochemical variation, residue mobility, and thermodynamic stability) has been performed at Invitae for this missense variant, however the output from this modeling did not meet the statistical confidence thresholds required to predict the impact of this variant on DCHS1 protein function. In summary, the available evidence is currently insufficient to determine the role of this variant in disease. Therefore, it has been classified as a Variant of Uncertain Significance.

NM_003737.4(DCHS1):c.8306C>T (p.Ala2769Val)

Gene: DCHS1 (dachsous cadherin-related 1; minus strand). Cytogenetic location: 11p15.4.
Variant type: single nucleotide variant.
Coding change: c.8306C>T on transcript NM_003737.4 (MANE Select); coding-DNA position 8306, C replaced by T.
Protein change: p.Ala2769Val; replaces alanine 2769 with valine.
Molecular consequence: missense variant.
Genome position (GRCh38, 1-based): chr11:6,623,370, G>A on the plus strand (C>T on the coding strand, the complement: DCHS1 is on the minus strand). VCF-style: chr11-6623370-G-A. GRCh37 (hg19) VCF-style: chr11-6644601-G-A.
Other names: short protein forms A2769V.
Identifiers: ClinVar variation 2897121 (VCV002897121.3), dbSNP rs200122562, ClinGen allele CA5859449.